The following is an entry in ClinVar:

ClinVar aggregate classification (germline): Uncertain significance. Review status: criteria provided, multiple submitters, no conflicts (2 of 4 stars). 2 submissions from 2 submitters: Uncertain significance (2). Last evaluated 2024-01-03.

Conditions:
Neurodevelopmental disorder with hypotonia, neuropathy, and deafness (NEDHND). Also called: Myopathy, congenital, with neuropathy and deafness; SPTBN4 Disorder. Identifiers: MedGen C4479603, MONDO:0060496, OMIM 617519.
Inborn genetic diseases. Identifiers: MedGen C0950123, MeSH D030342.

Allele frequency attached by ClinVar (database versions not stated): gnomAD exomes 0.00003 and 0.00004; ExAC 0.00004; gnomAD 0.00020 and 0.00022; ESP Exome Variant Server 0.00023; TOPMed 0.00023.
gnomAD v4.1: 93 of 1,612,380 alleles (0.0058%); highest among the groups gnomAD compares: African/African-American, 0.073%; no homozygotes.

Submissions (2):

Ambry Genetics
Classification: Uncertain significance for Inborn genetic diseases. Last evaluated: 2024-01-03. Review status: criteria provided, single submitter. Criteria: Ambry Variant Classification Scheme 2023. Collection method: clinical testing. Allele origin: germline.

New York Genome Center
Classification: Uncertain significance for Neurodevelopmental disorder with hypotonia, neuropathy, and deafness. Last evaluated: 2021-04-09. Review status: criteria provided, single submitter. Criteria: NYGC Assertion Criteria 2020. Collection method: clinical testing. Allele origin: inherited. Observed: 1 compound heterozygote. Study: CSER-NYCKidSeq.
Comment: The inherited heterozygous missense variant, c.1798C>T (p.Arg600Cys), in the SPTBN4 gene has not been reported in affected individuals in the literature. The variant has 0.0001971 allele frequency (30 out of 152,212 heterozygous alleles, no homozygotes)in the gnomAD database indicating it is not a common benign allele in the populations represented in that database. In silico tools provide conflicting predictions about potential pathogenicity of this variant. Based on the available evidence, the inherited c.1798C>T (p.Arg600Cys) variant in the SPTBN4 gene is reported as a variant of uncertain significance.

NM_020971.3(SPTBN4):c.1798C>T (p.Arg600Cys)

Gene: SPTBN4 (spectrin beta, non-erythrocytic 4; plus strand). Cytogenetic location: 19q13.2.
Variant type: single nucleotide variant.
Coding change: c.1798C>T on transcript NM_020971.3 (MANE Select); coding-DNA position 1798, C replaced by T.
Protein change: p.Arg600Cys; replaces arginine 600 with cysteine.
Molecular consequence: missense variant.
Genome position (GRCh38, 1-based): chr19:40,506,368, C>T. VCF-style: chr19-40506368-C-T. GRCh37 (hg19) VCF-style: chr19-41012275-C-T.
Other names: c.1798C>T (NM_020971.2); short protein forms R600C.
Identifiers: ClinVar variation 1342431 (VCV001342431.2), dbSNP rs148286750, ClinGen allele CA9445785.